The following is an entry in ClinVar:

ClinVar aggregate classification (germline): Uncertain significance (1 of 4 stars; one submission).

Conditions:
Inborn genetic diseases. Identifiers: MedGen C0950123, MeSH D030342.

Submission:

Ambry Genetics
Classification: Uncertain significance for Inborn genetic diseases. Last evaluated: 2024-12-08. Review status: criteria provided, single submitter. Criteria: Ambry Variant Classification Scheme 2023. Collection method: clinical testing. Allele origin: germline.
Comment: The p.M421V variant (also known as c.1261A>G), located in coding exon 5 of the GATA2 gene, results from an A to G substitution at nucleotide position 1261. The methionine at codon 421 is replaced by valine, an amino acid with highly similar properties. This amino acid position is conserved. In addition, the in silico prediction for this alteration is inconclusive. Based on the available evidence, the clinical significance of this variant remains unclear.

NM_032638.5(GATA2):c.1261A>G (p.Met421Val)

Gene: GATA2 (GATA binding protein 2; minus strand). Cytogenetic location: 3q21.3.
Variant type: single nucleotide variant.
Coding change: c.1261A>G on transcript NM_032638.5 (MANE Select); coding-DNA position 1261, A replaced by G.
Protein change: p.Met421Val; replaces methionine 421 with valine.
Molecular consequence: missense variant.
Genome position (GRCh38, 1-based): chr3:128,481,201, T>C on the plus strand (A>G on the coding strand, the complement: GATA2 is on the minus strand). VCF-style: chr3-128481201-T-C. GRCh37 (hg19) VCF-style: chr3-128200044-T-C.
Other names: c.1261A>G, p.Met421Val (NM_001145661.2); c.1219A>G, p.Met407Val (NM_001145662.1); short protein forms M421V, M407V.
Identifiers: ClinVar variation 3519008 (VCV003519008.1).